The following is an entry in ClinVar:

NM_001379500.1(COL18A1):c.2157+19T>A

Gene: COL18A1 (collagen type XVIII alpha 1 chain; plus strand). Cytogenetic location: 21q22.3.
Variant type: single nucleotide variant.
Coding change: c.2157+19T>A on transcript NM_001379500.1 (MANE Select); 19 bases into the intron after coding-DNA position 2157, T replaced by A.
Molecular consequence: intron variant.
Genome position (GRCh38, 1-based): chr21:45,491,333, T>A. VCF-style: chr21-45491333-T-A. GRCh37 (hg19) VCF-style: chr21-46911247-T-A.
Other names: c.3402+19T>A (NM_130444.3); c.2697+19T>A (NM_030582.4).
Identifiers: ClinVar variation 2967662 (VCV002967662.4), dbSNP rs2517683739, ClinGen allele CA2654914637.

ClinVar aggregate classification (germline): Likely benign. Review status: criteria provided, multiple submitters, no conflicts (2 of 4 stars). 2 submissions from 2 submitters: Likely benign (2). Last evaluated 2025-05-14.

Submissions (2):

Labcorp Genetics (formerly Invitae), Labcorp
Classification: Likely benign. Last evaluated: 2025-05-14. Review status: criteria provided, single submitter. Criteria: Invitae Variant Classification Sherloc (09022015). Collection method: clinical testing. Allele origin: germline.

Women's Health and Genetics/Laboratory Corporation of America, LabCorp
Classification: Likely benign. Last evaluated: 2024-10-31. Review status: criteria provided, single submitter. Criteria: LabCorp Variant Classification Summary - May 2015. Collection method: clinical testing. Allele origin: germline.
Comment: Variant summary: COL18A1 c.2157+19T>A alters a nucleotide located at a position not widely known to affect splicing. Consensus agreement among computation tools predict no significant impact on normal splicing. However, these predictions have yet to be confirmed by functional studies. The variant was absent in 236708 control chromosomes. The available data on variant occurrences in the general population are insufficient to allow any conclusion about variant significance. To our knowledge, no occurrence of c.2157+19T>A in individuals affected with Knobloch Syndrome 1 and no experimental evidence demonstrating its impact on protein function have been reported. ClinVar contains an entry for this variant (Variation ID: 2967662). Based on the evidence outlined above, the variant was classified as likely benign.